The following is an entry in ClinVar:

NM_014915.3(ANKRD26):c.2063C>T (p.Thr688Ile)

Gene: ANKRD26 (ankyrin repeat domain 26; minus strand). Cytogenetic location: 10p12.1.
Variant type: single nucleotide variant.
Coding change: c.2063C>T on transcript NM_014915.3 (MANE Select); coding-DNA position 2063, C replaced by T.
Protein change: p.Thr688Ile; replaces threonine 688 with isoleucine.
Molecular consequence: missense variant.
Genome position (GRCh38, 1-based): chr10:27,043,524, G>A on the plus strand (C>T on the coding strand, the complement: ANKRD26 is on the minus strand). VCF-style: chr10-27043524-G-A. GRCh37 (hg19) VCF-style: chr10-27332453-G-A.
Other names: c.2060C>T, p.Thr687Ile (NM_001256053.2); short protein forms T687I, T688I.
Identifiers: ClinVar variation 4826411 (VCV004826411.1).

ClinVar aggregate classification (germline): Uncertain significance (1 of 4 stars; one submission).

Conditions:
Inborn genetic diseases. Identifiers: MedGen C0950123, MeSH D030342.

Submission:

Ambry Genetics
Classification: Uncertain significance for Inborn genetic diseases. Last evaluated: 2026-03-01. Review status: criteria provided, single submitter. Criteria: Ambry Variant Classification Scheme 2023. Collection method: clinical testing. Allele origin: germline.
Comment: The p.T688I variant (also known as c.2063C>T), located in coding exon 20 of the ANKRD26 gene, results from a C to T substitution at nucleotide position 2063. The threonine at codon 688 is replaced by isoleucine, an amino acid with similar properties. This amino acid position is conserved. In addition, this alteration is predicted to be tolerated by in silico analysis. Based on the available evidence, the clinical significance of this variant remains unclear.